The following is an entry in ClinVar:

ClinVar aggregate classification (germline): Conflicting classifications of pathogenicity. Review status: criteria provided, conflicting classifications (1 of 4 stars). 3 submissions from 3 submitters: Likely pathogenic (1); Uncertain significance (2). Last evaluated 2025-01-05.

Conditions:
Hereditary cancer-predisposing syndrome. Also called: Neoplastic Syndromes, Hereditary; Tumor predisposition; Hereditary Cancer Syndrome; Hereditary neoplastic syndrome. Identifiers: Orphanet 140162, MedGen C0027672, MeSH D009386, MONDO:0015356.
Cardiovascular phenotype. Identifiers: MedGen CN230736.
LZTR1-related schwannomatosis. Also called: Schwannomatosis 2; Schwannomatosis-2, susceptibility to. Identifiers: Orphanet 93921, MedGen C3810283, MONDO:0014299, OMIM 615670.

Submissions (3):

Labcorp Genetics (formerly Invitae), Labcorp
Classification: Uncertain significance. Last evaluated: 2025-01-05. Review status: criteria provided, single submitter. Criteria: Invitae Variant Classification Sherloc (09022015). Collection method: clinical testing. Allele origin: germline.
Comment: This sequence change replaces serine, which is neutral and polar, with tryptophan, which is neutral and slightly polar, at codon 122 of the LZTR1 protein (p.Ser122Trp). This variant is not present in population databases (gnomAD no frequency). This variant has not been reported in the literature in individuals affected with LZTR1-related conditions. ClinVar contains an entry for this variant (Variation ID: 1733660). Invitae Evidence Modeling of protein sequence and biophysical properties (such as structural, functional, and spatial information, amino acid conservation, physicochemical variation, residue mobility, and thermodynamic stability) indicates that this missense variant is not expected to disrupt LZTR1 protein function with a negative predictive value of 80%. In summary, the available evidence is currently insufficient to determine the role of this variant in disease. Therefore, it has been classified as a Variant of Uncertain Significance.

Ambry Genetics
Classification: Likely pathogenic for Cardiovascular phenotype; Hereditary cancer-predisposing syndrome. Last evaluated: 2024-11-21. Review status: criteria provided, single submitter. Criteria: Ambry Variant Classification Scheme 2023. Collection method: clinical testing. Allele origin: germline.
Comment: The c.365C>G variant (also known as p.S122W), located in coding exon 4 of the LZTR1 gene, results from a C to G substitution at nucleotide position 365. The serine at codon 122 is replaced by tryptophan, an amino acid with highly dissimilar properties. This variant has been observed in at least one individual with a personal and/or family history that is consistent with LZTR1-related schwannomatosis (Ambry internal data). This variant is considered to be rare based on population cohorts in the Genome Aggregation Database (gnomAD). This nucleotide position is highly conserved in available vertebrate species. In silico splice site analysis predicts that this alteration will not have any significant effect on splicing. However, RNA studies have demonstrated that this alteration results in abnormal splicing in the set of samples tested (Ambry internal data). In addition, as a missense substitution this is predicted to be deleterious by in silico analysis. Loss-of-function variants in LZTR1 are related to an increased risk for schwannomas and autosomal recessive Noonan syndrome; however, such associations with autosomal dominant Noonan syndrome have not been observed (Piotrowski A et al. Nat Genet. 2014 Feb;46:182-7; Yamamoto GL et al. J Med Genet. 2015 Jun;52:413-21; Johnston JJ et al. Genet Med. 2018 10;20:1175-1185). Based on the supporting evidence, this variant is likely pathogenic for an increased risk of LZTR1-related schwannomatosis (SWN) and would be expected to cause autosomal recessive Noonan syndrome when present along with a second pathogenic or likely pathogenic variant on the other allele; however, the association of this alteration with autosomal dominant Noonan syndrome is unlikely.

Baylor Genetics
Classification: Uncertain significance for LZTR1-related schwannomatosis. Last evaluated: 2023-07-28. Review status: criteria provided, single submitter. Criteria: ACMG Guidelines, 2015. Collection method: clinical testing. Allele origin: unknown.

NM_006767.4(LZTR1):c.365C>G (p.Ser122Trp)

Gene: LZTR1 (leucine zipper like post translational regulator 1; plus strand). Cytogenetic location: 22q11.21.
Variant type: single nucleotide variant.
Coding change: c.365C>G on transcript NM_006767.4 (MANE Select); coding-DNA position 365, C replaced by G.
Protein change: p.Ser122Trp; replaces serine 122 with tryptophan.
Molecular consequence: missense variant.
Genome position (GRCh38, 1-based): chr22:20,987,548, C>G. VCF-style: chr22-20987548-C-G. GRCh37 (hg19) VCF-style: chr22-21341837-C-G.
Other names: short protein forms S122W.
Identifiers: ClinVar variation 1733660 (VCV001733660.7), dbSNP rs587777177, ClinGen allele CA410779357.